The following is an entry in ClinVar:

NM_016247.4(IMPG2):c.265G>A (p.Val89Met)

Gene: IMPG2 (interphotoreceptor matrix proteoglycan 2; minus strand). Cytogenetic location: 3q12.3.
Variant type: single nucleotide variant.
Coding change: c.265G>A on transcript NM_016247.4 (MANE Select); coding-DNA position 265, G replaced by A.
Protein change: p.Val89Met; replaces valine 89 with methionine.
Molecular consequence: missense variant.
Genome position (GRCh38, 1-based): chr3:101,319,653, C>T on the plus strand (G>A on the coding strand, the complement: IMPG2 is on the minus strand). VCF-style: chr3-101319653-C-T. GRCh37 (hg19) VCF-style: chr3-101038497-C-T.
Other names: short protein forms V89M.
Identifiers: ClinVar variation 4805431 (VCV004805431.1).

ClinVar aggregate classification (germline): Uncertain significance (1 of 4 stars; one submission).

Submission:

Labcorp Genetics (formerly Invitae), Labcorp
Classification: Uncertain significance. Last evaluated: 2025-11-05. Review status: criteria provided, single submitter. Criteria: Invitae Variant Classification Sherloc (09022015). Collection method: clinical testing. Allele origin: germline.
Comment: This sequence change replaces valine, which is neutral and non-polar, with methionine, which is neutral and non-polar, at codon 89 of the IMPG2 protein (p.Val89Met). This variant is not present in population databases (gnomAD no frequency). This variant has not been reported in the literature in individuals affected with IMPG2-related conditions. An algorithm developed to predict the effect of missense changes on protein structure and function (PolyPhen-2) suggests that this variant is likely to be disruptive. In summary, the available evidence is currently insufficient to determine the role of this variant in disease. Therefore, it has been classified as a Variant of Uncertain Significance.